The following is an entry in ClinVar:

NM_000051.4(ATM):c.8458T>G (p.Phe2820Val)

Genes: ATM (ATM serine/threonine kinase; plus strand), C11orf65 (chromosome 11 open reading frame 65; minus strand). Cytogenetic location: 11q22.3.
Variant type: single nucleotide variant.
Coding change: c.8458T>G on transcript NM_000051.4 (MANE Select); coding-DNA position 8458, T replaced by G.
Protein change: p.Phe2820Val; replaces phenylalanine 2820 with valine.
Molecular consequence: missense variant. On other transcripts: intron variant (2).
Genome position (GRCh38, 1-based): chr11:108,345,782, T>G. VCF-style: chr11-108345782-T-G. GRCh37 (hg19) VCF-style: chr11-108216509-T-G.
Other names: c.8458T>G, p.Phe2820Val (NM_001351834.2); c.641-36711A>C (NM_001330368.2); c.695-10490A>C (NM_001351110.2); short protein forms F2820V.
Identifiers: ClinVar variation 1763448 (VCV001763448.2), dbSNP rs2137027321, ClinGen allele CA382517934.
Genomic context (GRCh38, chr11:108,345,782, plus strand): 5'-ATATATATTCTCTATTTAAAGGAGGTGCAAAAAAAGTCTTTTGAAGAGAAATATGAAGTC[T>G]TCATGGATGTTTGCCAAAATTTTCAACCAGTTTTCCGTTACTTCTGCATGGAAAAATTCT-3'
Protein context (NP_000042.3, residues 2810-2830): KKSFEEKYEV[Phe2820Val]MDVCQNFQPV

ClinVar aggregate classification (germline): Uncertain significance (1 of 4 stars; one submission).

Conditions:
Hereditary cancer-predisposing syndrome. Also called: Hereditary neoplastic syndrome; Neoplastic Syndromes, Hereditary; Tumor predisposition; Hereditary Cancer Syndrome. Identifiers: Orphanet 140162, MedGen C0027672, MeSH D009386, MONDO:0015356.

Submission:

Ambry Genetics
Classification: Uncertain significance for Hereditary cancer-predisposing syndrome. Last evaluated: 2022-08-09. Review status: criteria provided, single submitter. Criteria: Ambry Variant Classification Scheme 2023. Collection method: clinical testing. Allele origin: germline.
Comment: The p.F2820V variant (also known as c.8458T>G), located in coding exon 57 of the ATM gene, results from a T to G substitution at nucleotide position 8458. The phenylalanine at codon 2820 is replaced by valine, an amino acid with highly similar properties. This amino acid position is conserved. In addition, this alteration is predicted to be deleterious by in silico analysis. Since supporting evidence is limited at this time, the clinical significance of this alteration remains unclear.